The following is an entry in ClinVar:

ClinVar aggregate classification (germline): Likely benign. Review status: criteria provided, multiple submitters, no conflicts (2 of 4 stars). 2 submissions from 2 submitters: Likely benign (2). Last evaluated 2024-05-01.

Allele frequency attached by ClinVar (database versions not stated): gnomAD 0.00001; TOPMed 0.00001.
gnomAD v4.1: 10 of 1,613,928 alleles (0.00062%); highest among the groups gnomAD compares: Non-Finnish European, 0.00085%; no homozygotes.

Submissions (2):

CeGaT Center for Human Genetics Tuebingen
Classification: Likely benign. Last evaluated: 2024-05-01. Review status: criteria provided, single submitter. Criteria: CeGaT Center For Human Genetics Tuebingen Variant Classification Criteria Version 2. Collection method: clinical testing. Allele origin: germline. Affected: yes. Observed: 1 variant allele.
Comment: GRIN2B: BP4, BP7

GeneDx
Classification: Likely benign. Last evaluated: 2016-02-24. Review status: criteria provided, single submitter. Criteria: GeneDx Variant Classification (06012015). Collection method: clinical testing. Allele origin: germline. Affected: yes.
Comment: This variant is considered likely benign or benign based on one or more of the following criteria: it is a conservative change, it occurs at a poorly conserved position in the protein, it is predicted to be benign by multiple in silico algorithms, and/or has population frequency not consistent with disease.

NM_000834.5(GRIN2B):c.327C>G (p.Ala109=)

Gene: GRIN2B (glutamate ionotropic receptor NMDA type subunit 2B; minus strand). Cytogenetic location: 12p13.1.
Variant type: single nucleotide variant.
Coding change: c.327C>G on transcript NM_000834.5 (MANE Select); coding-DNA position 327, C replaced by G.
Protein change: p.Ala109=; no amino-acid change (alanine 109 retained).
Molecular consequence: synonymous variant.
Genome position (GRCh38, 1-based): chr12:13,865,882, G>C on the plus strand (C>G on the coding strand, the complement: GRIN2B is on the minus strand). VCF-style: chr12-13865882-G-C. GRCh37 (hg19) VCF-style: chr12-14018816-G-C.
Identifiers: ClinVar variation 246441 (VCV000246441.20), dbSNP rs748395100, ClinGen allele CA10584430.